The following is an entry in ClinVar:

ClinVar aggregate classification (germline): Uncertain significance (1 of 4 stars; one submission).

Allele frequency attached by ClinVar (database versions not stated): TOPMed 0.00001.

Submission:

Labcorp Genetics (formerly Invitae), Labcorp
Classification: Uncertain significance. Last evaluated: 2022-07-26. Review status: criteria provided, single submitter. Criteria: Invitae Variant Classification Sherloc (09022015). Collection method: clinical testing. Allele origin: germline.
Comment: This sequence change replaces alanine, which is neutral and non-polar, with serine, which is neutral and polar, at codon 8 of the NDP protein (p.Ala8Ser). This variant is not present in population databases (gnomAD no frequency). This variant has not been reported in the literature in individuals affected with NDP-related conditions. Algorithms developed to predict the effect of missense changes on protein structure and function are either unavailable or do not agree on the potential impact of this missense change (SIFT: "Tolerated"; PolyPhen-2: "Probably Damaging"; Align-GVGD: "Class C0"). In summary, the available evidence is currently insufficient to determine the role of this variant in disease. Therefore, it has been classified as a Variant of Uncertain Significance.

NM_000266.4(NDP):c.22G>T (p.Ala8Ser)

Genes: NDP (norrin cystine knot growth factor NDP; minus strand), NDP-AS1 (NDP antisense RNA 1; plus strand). Cytogenetic location: Xp11.3.
Variant type: single nucleotide variant.
Coding change: c.22G>T on transcript NM_000266.4 (MANE Select); coding-DNA position 22, G replaced by T.
Protein change: p.Ala8Ser; replaces alanine 8 with serine.
Molecular consequence: missense variant.
Genome position (GRCh38, 1-based): chrX:43,958,624, C>A on the plus strand (G>T on the coding strand, the complement: NDP is on the minus strand). VCF-style: chrX-43958624-C-A. GRCh37 (hg19) VCF-style: chrX-43817870-C-A.
Other names: short protein forms A8S.
Identifiers: ClinVar variation 1950122 (VCV001950122.5), dbSNP rs2035809218, ClinGen allele CA413009303.